The following is an entry in ClinVar:

ClinVar aggregate classification (germline): Uncertain significance. Review status: criteria provided, multiple submitters, no conflicts (2 of 4 stars). 2 submissions from 2 submitters: Uncertain significance (2). Last evaluated 2024-05-10.

Conditions:
Isolated cryptophthalmia. Also called: Cryptophthalmos, unilateral or bilateral, isolated; ANKYLOBLEPHARON, SIMPLE. Identifiers: Orphanet 91396, MedGen C1852453, MONDO:0007410, OMIM 123570.
Fraser syndrome 2 (FRASRS2). Identifiers: MedGen C4540036, MONDO:0054738, OMIM 617666.

gnomAD v4.1: 4 of 1,614,110 alleles (0.00025%); highest among the groups gnomAD compares: African/African-American, 0.0053%; no homozygotes.

Submissions (2):

Fulgent Genetics
Classification: Uncertain significance for Isolated cryptophthalmia; Fraser syndrome 2. Last evaluated: 2024-05-10. Review status: criteria provided, single submitter. Criteria: ACMG Guidelines, 2015. Collection method: clinical testing. Allele origin: germline.

Labcorp Genetics (formerly Invitae), Labcorp
Classification: Uncertain significance. Last evaluated: 2022-03-01. Review status: criteria provided, single submitter. Criteria: Invitae Variant Classification Sherloc (09022015). Collection method: clinical testing. Allele origin: germline.
Comment: In summary, the available evidence is currently insufficient to determine the role of this variant in disease. Therefore, it has been classified as a Variant of Uncertain Significance. Algorithms developed to predict the effect of missense changes on protein structure and function are either unavailable or do not agree on the potential impact of this missense change (SIFT: "Deleterious"; PolyPhen-2: "Benign"; Align-GVGD: "Class C0"). This variant has not been reported in the literature in individuals affected with FREM2-related conditions. This variant is present in population databases (rs775987605, gnomAD 0.008%). This sequence change replaces asparagine, which is neutral and polar, with isoleucine, which is neutral and non-polar, at codon 973 of the FREM2 protein (p.Asn973Ile).

NM_207361.6(FREM2):c.2918A>T (p.Asn973Ile)

Gene: FREM2 (FRAS1 related extracellular matrix 2; plus strand). Cytogenetic location: 13q13.3.
Variant type: single nucleotide variant.
Coding change: c.2918A>T on transcript NM_207361.6 (MANE Select); coding-DNA position 2918, A replaced by T.
Protein change: p.Asn973Ile; replaces asparagine 973 with isoleucine.
Molecular consequence: missense variant.
Genome position (GRCh38, 1-based): chr13:38,690,262, A>T. VCF-style: chr13-38690262-A-T. GRCh37 (hg19) VCF-style: chr13-39264399-A-T.
Other names: short protein forms N973I.
Identifiers: ClinVar variation 1963585 (VCV001963585.6), dbSNP rs775987605, ClinGen allele CA6954696.